The following is an entry in ClinVar:

ClinVar aggregate classification (germline): Uncertain significance. Review status: criteria provided, multiple submitters, no conflicts (2 of 4 stars). 2 submissions from 2 submitters: Uncertain significance (2). Last evaluated 2024-10-30.

Conditions:
Hereditary cancer-predisposing syndrome. Also called: Hereditary Cancer Syndrome; Neoplastic Syndromes, Hereditary; Tumor predisposition; Hereditary neoplastic syndrome. Identifiers: Orphanet 140162, MedGen C0027672, MeSH D009386, MONDO:0015356.
Rhabdoid tumor predisposition syndrome 2 (RTPS2). Identifiers: Orphanet 231108, Orphanet 69077, MedGen C2750074, MONDO:0013224, OMIM 613325.

Submissions (2):

Labcorp Genetics (formerly Invitae), Labcorp
Classification: Uncertain significance for Rhabdoid tumor predisposition syndrome 2. Last evaluated: 2024-10-30. Review status: criteria provided, single submitter. Criteria: Invitae Variant Classification Sherloc (09022015). Collection method: clinical testing. Allele origin: germline.
Comment: This sequence change replaces leucine, which is neutral and non-polar, with valine, which is neutral and non-polar, at codon 1557 of the SMARCA4 protein (p.Leu1557Val). This variant is not present in population databases (gnomAD no frequency). This variant has not been reported in the literature in individuals affected with SMARCA4-related conditions. ClinVar contains an entry for this variant (Variation ID: 480964). Invitae Evidence Modeling of protein sequence and biophysical properties (such as structural, functional, and spatial information, amino acid conservation, physicochemical variation, residue mobility, and thermodynamic stability) has been performed for this missense variant. However, the output from this modeling did not meet the statistical confidence thresholds required to predict the impact of this variant on SMARCA4 protein function. In summary, the available evidence is currently insufficient to determine the role of this variant in disease. Therefore, it has been classified as a Variant of Uncertain Significance.

Ambry Genetics
Classification: Uncertain significance for Hereditary cancer-predisposing syndrome. Last evaluated: 2021-04-26. Review status: criteria provided, single submitter. Criteria: Ambry Variant Classification Scheme 2023. Collection method: clinical testing. Allele origin: germline.
Comment: The p.L1557V variant (also known as c.4669C>G), located in coding exon 32 of the SMARCA4 gene, results from a C to G substitution at nucleotide position 4669. The leucine at codon 1557 is replaced by valine, an amino acid with highly similar properties. This amino acid position is highly conserved in available vertebrate species. In addition, this alteration is predicted to be tolerated by in silico analysis. Missense and in-frame variants in SMARCA4 are known to cause neurodevelopmental disorders; however, such associations with rhabdoid tumor predisposition syndrome including small cell carcinoma of the ovary-hypercalcemic type (SCCOHT) are exceedingly rare (Kosho T et al. Am J Med Genet C Semin Med Genet. 2014 Sep;166C(3):262-75; Jelinic P et al. Nat Genet. 2014 May;46(5):424-6). Based on the supporting evidence, the association of this alteration with Coffin-Siris syndrome is unknown; however, the association of this alteration with rhabdoid tumor predisposition syndrome is unlikely.

NM_003072.5(SMARCA4):c.4573C>G (p.Leu1525Val)

Gene: SMARCA4 (SWI/SNF related BAF chromatin remodeling complex subunit ATPase 4; plus strand). Cytogenetic location: 19p13.2.
Variant type: single nucleotide variant.
Coding change: c.4573C>G on transcript NM_003072.5 (MANE Select); coding-DNA position 4573, C replaced by G.
Protein change: p.Leu1525Val; replaces leucine 1525 with valine.
Molecular consequence: missense variant. On other transcripts: non-coding transcript variant (1).
Genome position (GRCh38, 1-based): chr19:11,058,827, C>G. VCF-style: chr19-11058827-C-G. GRCh37 (hg19) VCF-style: chr19-11169503-C-G.
Other names: c.4471C>G, p.Leu1491Val (NM_001128848.2); c.4669C>G, p.Leu1557Val (NM_001128849.3, NM_001387283.1); c.4474C>G, p.Leu1492Val (NM_001374457.1, NM_001128847.4); c.4573C>G, p.Leu1525Val (NM_001128844.3); c.4483C>G, p.Leu1495Val (NM_001128845.2); c.4480C>G, p.Leu1494Val (NM_001128846.2); short protein forms L1557V, L1492V, L1525V, L1491V, L1494V, L1495V.
Identifiers: ClinVar variation 480964 (VCV000480964.7), dbSNP rs1555795366, ClinGen allele CA404078848.